The following is an entry in ClinVar:

ClinVar aggregate classification (germline): Uncertain significance (1 of 4 stars; one submission).

Conditions:
Intellectual disability, autosomal recessive 53 (NEDHSCA). Also called: NEURODEVELOPMENTAL DISORDER WITH OR WITHOUT HYPOTONIA, SEIZURES, AND CEREBELLAR ATROPHY; GLYCOSYLPHOSPHATIDYLINOSITOL BIOSYNTHESIS DEFECT 13; Mental retardation, autosomal recessive 53. Identifiers: Orphanet 488635, MedGen C4310794, MONDO:0014832, OMIM 616917.

Submission:

Labcorp Genetics (formerly Invitae), Labcorp
Classification: Uncertain significance for Intellectual disability, autosomal recessive 53. Last evaluated: 2022-03-29. Review status: criteria provided, single submitter. Criteria: Invitae Variant Classification Sherloc (09022015). Collection method: clinical testing. Allele origin: germline.
Comment: Algorithms developed to predict the effect of missense changes on protein structure and function are either unavailable or do not agree on the potential impact of this missense change (SIFT: "Tolerated"; PolyPhen-2: "Probably Damaging"; Align-GVGD: "Class C0"). This variant has not been reported in the literature in individuals affected with PIGG-related conditions. This variant is not present in population databases (gnomAD no frequency). This sequence change replaces glycine, which is neutral and non-polar, with serine, which is neutral and polar, at codon 86 of the PIGG protein (p.Gly86Ser). In summary, the available evidence is currently insufficient to determine the role of this variant in disease. Therefore, it has been classified as a Variant of Uncertain Significance.

NM_001127178.3(PIGG):c.256G>A (p.Gly86Ser)

Gene: PIGG (phosphatidylinositol glycan anchor biosynthesis class G (EMM blood group); plus strand). Cytogenetic location: 4p16.3.
Variant type: single nucleotide variant.
Coding change: c.256G>A on transcript NM_001127178.3 (MANE Select); coding-DNA position 256, G replaced by A.
Protein change: p.Gly86Ser; replaces glycine 86 with serine.
Molecular consequence: missense variant. On other transcripts: 5 prime UTR variant (10), non-coding transcript variant (10).
Genome position (GRCh38, 1-based): chr4:500,497, G>A. VCF-style: chr4-500497-G-A. GRCh37 (hg19) VCF-style: chr4-494286-G-A.
Other names: c.-12G>A (NM_001289051.2, NM_001289053.2, NM_001289057.2 and 2 more transcripts); c.256G>A, p.Gly86Ser (NM_001289052.2, NM_001345989.2, NM_017733.5); c.-181G>A (NM_001289055.2); c.-632G>A (NM_001345988.2); c.-1370G>A (NM_001345990.2); c.-1232G>A (NM_001345991.2); c.-957G>A (NM_001345994.2); short protein forms G86S.
Identifiers: ClinVar variation 2069958 (VCV002069958.4), dbSNP rs782043428, ClinGen allele CA2792944.